The following is an entry in ClinVar:

NM_181882.3(PRX):c.4290G>C (p.Glu1430Asp)

Gene: PRX (periaxin; minus strand). Cytogenetic location: 19q13.2.
Variant type: single nucleotide variant.
Coding change: c.4290G>C on transcript NM_181882.3 (MANE Select); coding-DNA position 4290, G replaced by C.
Protein change: p.Glu1430Asp; replaces glutamic acid 1430 with aspartic acid.
Molecular consequence: missense variant. On other transcripts: 3 prime UTR variant (1).
Genome position (GRCh38, 1-based): chr19:40,394,062, C>G on the plus strand (G>C on the coding strand, the complement: PRX is on the minus strand). VCF-style: chr19-40394062-C-G. GRCh37 (hg19) VCF-style: chr19-40899969-C-G.
Other names: c.*4495G>C (NM_020956.2); short protein forms E1430D.
Identifiers: ClinVar variation 838064 (VCV000838064.7), dbSNP rs1347473458, ClinGen allele CA405889863.

ClinVar aggregate classification (germline): Uncertain significance. Review status: criteria provided, multiple submitters, no conflicts (2 of 4 stars). 2 submissions from 2 submitters: Uncertain significance (2). Last evaluated 2025-05-03.

Conditions:
Charcot-Marie-Tooth disease type 4. Also called: Charcot-Marie-Tooth disease, type IV; Charcot-Marie-Tooth, Type 4. Identifiers: Orphanet 64749, MedGen C4082197, MONDO:0018995.
Inborn genetic diseases. Identifiers: MedGen C0950123, MeSH D030342.

Allele frequency attached by ClinVar (database versions not stated): gnomAD exomes below 0.00001 and 0.00004; gnomAD 0.00002; TOPMed 0.00004.
gnomAD v4.1: 55 of 1,612,356 alleles (0.0034%); highest among the groups gnomAD compares: Non-Finnish European, 0.0045%; no homozygotes.

Submissions (2):

Ambry Genetics
Classification: Uncertain significance for Inborn genetic diseases. Last evaluated: 2025-05-03. Review status: criteria provided, single submitter. Criteria: Ambry Variant Classification Scheme 2023. Collection method: clinical testing. Allele origin: germline.

Labcorp Genetics (formerly Invitae), Labcorp
Classification: Uncertain significance for Charcot-Marie-Tooth disease type 4. Last evaluated: 2021-12-12. Review status: criteria provided, single submitter. Criteria: Invitae Variant Classification Sherloc (09022015). Collection method: clinical testing. Allele origin: germline.
Comment: This sequence change replaces glutamic acid, which is acidic and polar, with aspartic acid, which is acidic and polar, at codon 1430 of the PRX protein (p.Glu1430Asp). This variant is present in population databases (no rsID available, gnomAD 0.007%). This variant has not been reported in the literature in individuals affected with PRX-related conditions. ClinVar contains an entry for this variant (Variation ID: 838064). Algorithms developed to predict the effect of missense changes on protein structure and function (SIFT, PolyPhen-2, Align-GVGD) all suggest that this variant is likely to be tolerated. In summary, the available evidence is currently insufficient to determine the role of this variant in disease. Therefore, it has been classified as a Variant of Uncertain Significance.